The following is an entry in ClinVar:

ClinVar aggregate classification (germline): Uncertain significance. Review status: criteria provided, multiple submitters, no conflicts (2 of 4 stars). 2 submissions from 2 submitters: Uncertain significance (2). Last evaluated 2025-03-03.

Conditions:
Norman-Roberts syndrome (LIS2). Also called: Lissencephaly 2 (Norman-Roberts type). Identifiers: Orphanet 89844, MedGen C0796089, MONDO:0009760, OMIM 257320.
Familial temporal lobe epilepsy 7. Identifiers: Orphanet 101046, MedGen C4225327, MONDO:0014639, OMIM 616436.

Allele frequency attached by ClinVar (database versions not stated): gnomAD exomes below 0.00001 and 0.00001; ExAC 0.00001; TOPMed 0.00001; gnomAD 0.00003 and 0.00004.
gnomAD v4.1: 8 of 1,611,280 alleles (0.0005%); highest among the groups gnomAD compares: Non-Finnish European, 0.00068%; no homozygotes.

Submissions (2):

Labcorp Genetics (formerly Invitae), Labcorp
Classification: Uncertain significance for Familial temporal lobe epilepsy 7; Norman-Roberts syndrome. Last evaluated: 2025-03-03. Review status: criteria provided, single submitter. Criteria: Invitae Variant Classification Sherloc (09022015). Collection method: clinical testing. Allele origin: germline.
Comment: This sequence change replaces phenylalanine, which is neutral and non-polar, with tyrosine, which is neutral and polar, at codon 695 of the RELN protein (p.Phe695Tyr). This variant is present in population databases (rs750188972, gnomAD 0.002%). This variant has not been reported in the literature in individuals affected with RELN-related conditions. ClinVar contains an entry for this variant (Variation ID: 1023785). Invitae Evidence Modeling of protein sequence and biophysical properties (such as structural, functional, and spatial information, amino acid conservation, physicochemical variation, residue mobility, and thermodynamic stability) indicates that this missense variant is not expected to disrupt RELN protein function with a negative predictive value of 80%. In summary, the available evidence is currently insufficient to determine the role of this variant in disease. Therefore, it has been classified as a Variant of Uncertain Significance.

CeGaT Center for Human Genetics Tuebingen
Classification: Uncertain significance. Last evaluated: 2023-12-01. Review status: criteria provided, single submitter. Criteria: CeGaT Center For Human Genetics Tuebingen Variant Classification Criteria Version 2. Collection method: clinical testing. Allele origin: germline. Affected: yes. Observed: 1 variant allele.

NM_005045.4(RELN):c.2084T>A (p.Phe695Tyr)

Gene: RELN (reelin; minus strand). Cytogenetic location: 7q22.1.
Variant type: single nucleotide variant.
Coding change: c.2084T>A on transcript NM_005045.4 (MANE Select); coding-DNA position 2084, T replaced by A.
Protein change: p.Phe695Tyr; replaces phenylalanine 695 with tyrosine.
Molecular consequence: missense variant.
Genome position (GRCh38, 1-based): chr7:103,636,454, A>T on the plus strand (T>A on the coding strand, the complement: RELN is on the minus strand). VCF-style: chr7-103636454-A-T. GRCh37 (hg19) VCF-style: chr7-103276901-A-T.
Other names: c.2084T>A, p.Phe695Tyr (NM_173054.3); short protein forms F695Y.
Identifiers: ClinVar variation 1023785 (VCV001023785.32), dbSNP rs750188972, ClinGen allele CA4422069.
Genomic context (GRCh38, chr7:103,636,454, plus strand): 5'-AAGCTTTCAGAAATAAACATTGGGAATGTCTGGGATGCCATCTCACAAGCTGGGCCAGAA[A>T]ATCCAGGGTCACACCTGAAAGAAATATGGTGAAATTAAATCTTAAACTGTTGGCTGTTTC-3'
Protein context (NP_005036.2, residues 685-705): TRHGCKCDPG[Phe695Tyr]SGPACEMASQ